The following is an entry in ClinVar:

NM_006739.4(MCM5):c.632C>T (p.Pro211Leu)

Gene: MCM5 (minichromosome maintenance complex component 5; plus strand). Cytogenetic location: 22q12.3.
Variant type: single nucleotide variant.
Coding change: c.632C>T on transcript NM_006739.4 (MANE Select); coding-DNA position 632, C replaced by T.
Protein change: p.Pro211Leu; replaces proline 211 with leucine.
Molecular consequence: missense variant.
Genome position (GRCh38, 1-based): chr22:35,408,443, C>T. VCF-style: chr22-35408443-C-T. GRCh37 (hg19) VCF-style: chr22-35804436-C-T.
Other names: short protein forms P211L.
Identifiers: ClinVar variation 3004494 (VCV003004494.3), dbSNP rs747355364, ClinGen allele CA10205098.

ClinVar aggregate classification (germline): Uncertain significance (1 of 4 stars; one submission).

Allele frequency attached by ClinVar (database versions not stated): ExAC 0.00003.
gnomAD v4.1: 11 of 1,614,078 alleles (0.00068%); highest among the groups gnomAD compares: East Asian, 0.0022%; no homozygotes.

Submission:

Labcorp Genetics (formerly Invitae), Labcorp
Classification: Uncertain significance. Last evaluated: 2024-08-20. Review status: criteria provided, single submitter. Criteria: Invitae Variant Classification Sherloc (09022015). Collection method: clinical testing. Allele origin: germline.
Comment: This sequence change replaces proline, which is neutral and non-polar, with leucine, which is neutral and non-polar, at codon 211 of the MCM5 protein (p.Pro211Leu). This variant is present in population databases (rs747355364, gnomAD 0.003%). This variant has not been reported in the literature in individuals affected with MCM5-related conditions. Invitae Evidence Modeling of protein sequence and biophysical properties (such as structural, functional, and spatial information, amino acid conservation, physicochemical variation, residue mobility, and thermodynamic stability) indicates that this missense variant is expected to disrupt MCM5 protein function with a positive predictive value of 80%. In summary, the available evidence is currently insufficient to determine the role of this variant in disease. Therefore, it has been classified as a Variant of Uncertain Significance.